The following is an entry in ClinVar:

ClinVar aggregate classification (germline): Uncertain significance (1 of 4 stars; one submission).

Submission:

Labcorp Genetics (formerly Invitae), Labcorp
Classification: Uncertain significance. Last evaluated: 2025-06-12. Review status: criteria provided, single submitter. Criteria: Invitae Variant Classification Sherloc (09022015). Collection method: clinical testing. Allele origin: germline.
Comment: This sequence change replaces glycine, which is neutral and non-polar, with tryptophan, which is neutral and slightly polar, at codon 436 of the TNFAIP3 protein (p.Gly436Trp). This variant is not present in population databases (gnomAD no frequency). This variant has not been reported in the literature in individuals affected with TNFAIP3-related conditions. Invitae Evidence Modeling of protein sequence and biophysical properties (such as structural, functional, and spatial information, amino acid conservation, physicochemical variation, residue mobility, and thermodynamic stability) indicates that this missense variant is not expected to disrupt TNFAIP3 protein function with a negative predictive value of 80%. In summary, the available evidence is currently insufficient to determine the role of this variant in disease. Therefore, it has been classified as a Variant of Uncertain Significance.

NM_001270508.2(TNFAIP3):c.1306G>T (p.Gly436Trp)

Gene: TNFAIP3 (TNF alpha induced protein 3; plus strand). Cytogenetic location: 6q23.3.
Variant type: single nucleotide variant.
Coding change: c.1306G>T on transcript NM_001270508.2 (MANE Select); coding-DNA position 1306, G replaced by T.
Protein change: p.Gly436Trp; replaces glycine 436 with tryptophan.
Molecular consequence: missense variant.
Genome position (GRCh38, 1-based): chr6:137,878,751, G>T. VCF-style: chr6-137878751-G-T. GRCh37 (hg19) VCF-style: chr6-138199888-G-T.
Other names: c.1306G>T, p.Gly436Trp (NM_001270507.2, NM_006290.4); short protein forms G436W.
Identifiers: ClinVar variation 4740672 (VCV004740672.1).
Genomic context (GRCh38, chr6:137,878,751, plus strand): 5'-AACAAACTCCCAAAGCTGAACTCCAAGCCGGGCCCTGAGGGGCTCCCTGGCATGGCGCTC[G>T]GGGCCTCTCGGGGAGAAGCCTATGAGCCCTTGGCGTGGAACCCTGAGGAGTCCACTGGGG-3'
Protein context (NP_001257437.1, residues 426-446): GPEGLPGMAL[Gly436Trp]ASRGEAYEPL